The following is an entry in ClinVar:

ClinVar aggregate classification (germline): Uncertain significance (1 of 4 stars; one submission).

gnomAD v4.1: 30 of 1,614,020 alleles (0.0019%); highest among the groups gnomAD compares: Admixed American, 0.0083%; no homozygotes.

Submission:

Labcorp Genetics (formerly Invitae), Labcorp
Classification: Uncertain significance. Last evaluated: 2025-08-18. Review status: criteria provided, single submitter. Criteria: Invitae Variant Classification Sherloc (09022015). Collection method: clinical testing. Allele origin: germline.
Comment: This sequence change replaces arginine, which is basic and polar, with cysteine, which is neutral and slightly polar, at codon 621 of the TF protein (p.Arg621Cys). This variant is present in population databases (rs759649614, gnomAD 0.009%). This variant has not been reported in the literature in individuals affected with TF-related conditions. Invitae Evidence Modeling of protein sequence and biophysical properties (such as structural, functional, and spatial information, amino acid conservation, physicochemical variation, residue mobility, and thermodynamic stability) indicates that this missense variant is not expected to disrupt TF protein function with a negative predictive value of 80%. In summary, the available evidence is currently insufficient to determine the role of this variant in disease. Therefore, it has been classified as a Variant of Uncertain Significance.

NM_001063.4(TF):c.1861C>T (p.Arg621Cys)

Gene: TF (transferrin; plus strand). Cytogenetic location: 3q22.1.
Variant type: single nucleotide variant.
Coding change: c.1861C>T on transcript NM_001063.4 (MANE Select); coding-DNA position 1861, C replaced by T.
Protein change: p.Arg621Cys; replaces arginine 621 with cysteine.
Molecular consequence: missense variant.
Genome position (GRCh38, 1-based): chr3:133,775,606, C>T. VCF-style: chr3-133775606-C-T. GRCh37 (hg19) VCF-style: chr3-133494450-C-T.
Other names: c.1729C>T, p.Arg577Cys (NM_001354703.2); c.1480C>T, p.Arg494Cys (NM_001354704.2); short protein forms R577C, R494C, R621C.
Identifiers: ClinVar variation 4700578 (VCV004700578.1).
Genomic context (GRCh38, chr3:133,775,606, plus strand): 5'-GCCCCGAATCACGCTGTGGTCACACGGAAAGATAAGGAAGCTTGCGTCCACAAGATATTA[C>T]GTCAACAGCAGGTATGGACCAGCCAGGTCCTCCCACCTTTTCTTCCTAGATGGCCATAGG-3'
Protein context (NP_001054.2, residues 611-631): DKEACVHKIL[Arg621Cys]QQQHLFGSNV